The following is an entry in ClinVar:

ClinVar aggregate classification (germline): Pathogenic (1 of 4 stars; one submission).

Submission:

GeneDx
Classification: Pathogenic. Last evaluated: 2018-03-07. Review status: criteria provided, single submitter. Criteria: GeneDx Variant Classification (06012015). Collection method: clinical testing. Allele origin: germline. Affected: yes.
Comment: The E545X variant in the SETBP1 gene has not been reported previously as a pathogenic variant nor as a benign variant, to our knowledge. This variant is predicted to cause loss of normal protein function either through protein truncation or nonsense-mediated mRNA decay. The E545X variant is not observed in large population cohorts (Lek et al., 2016). We interpret E545X as a pathogenic variant.

NM_015559.3(SETBP1):c.1633G>T (p.Glu545Ter)

Gene: SETBP1 (SET binding protein 1; plus strand). Cytogenetic location: 18q12.3.
Variant type: single nucleotide variant.
Coding change: c.1633G>T on transcript NM_015559.3 (MANE Select); coding-DNA position 1633, G replaced by T.
Protein change: p.Glu545Ter; replaces glutamic acid 545 with a stop codon.
Molecular consequence: nonsense.
Genome position (GRCh38, 1-based): chr18:44,950,973, G>T. VCF-style: chr18-44950973-G-T. GRCh37 (hg19) VCF-style: chr18-42530938-G-T.
Other names: c.1633G>T, p.Glu545Ter (LRG_1150t1); short protein forms E545*.
Identifiers: ClinVar variation 523811 (VCV000523811.2), dbSNP rs1555706476, ClinGen allele CA402318942.